The following is an entry in ClinVar:

ClinVar aggregate classification (germline): Pathogenic (1 of 4 stars; one submission).

Conditions:
TWIST1-related craniosynostosis (CRS1). Also called: CRANIOSYNOSTOSIS 1. Identifiers: Orphanet 63440, MedGen C4551902, MONDO:0007399, OMIM 123100. Inheritance: Heterogenous inheritance pattern.

Submission:

Labcorp Genetics (formerly Invitae), Labcorp
Classification: Pathogenic for TWIST1-related craniosynostosis. Last evaluated: 2024-12-23. Review status: criteria provided, single submitter. Criteria: Invitae Variant Classification Sherloc (09022015). Collection method: clinical testing. Allele origin: germline.
Comment: This sequence change creates a premature translational stop signal (p.Leu85Cysfs*186) in the ERF gene. While this is not anticipated to result in nonsense mediated decay, it is expected to disrupt the last 464 amino acid(s) of the ERF protein. This variant is not present in population databases (gnomAD no frequency). This variant has not been reported in the literature in individuals affected with ERF-related conditions. This variant disrupts a region of the ERF protein in which other variant(s) (p.Lys401Glufs*10) have been determined to be pathogenic (PMID: 2370745, 23354439, 30758909). This suggests that this is a clinically significant region of the protein, and that variants that disrupt it are likely to be disease-causing. For these reasons, this variant has been classified as Pathogenic.

Literature cited by the submitters: PubMed 2370745; PubMed 23354439; PubMed 30758909.

NM_006494.4(ERF):c.253del (p.Leu85fs)

Gene: ERF (ETS2 repressor factor; minus strand). Cytogenetic location: 19q13.2.
Variant type: Deletion.
Coding change: c.253del on transcript NM_006494.4 (MANE Select); coding-DNA position 253, one base deleted (C; older notation c.253delC).
Protein change: p.Leu85fs; shifts the reading frame from leucine 85.
Molecular consequence: frameshift variant.
Genome position (GRCh38, 1-based): chr19:42,250,335, G deleted on the plus strand (C on the coding strand, the reverse complement: ERF is on the minus strand); the first of 3 consecutive G bases (chr19:42,250,335-42,250,337); deleting any one gives the same sequence. VCF-style (leftmost placement, unchanged base first): chr19-42250334-AG-A. GRCh37 (hg19) VCF-style: chr19-42754486-AG-A.
Other names: c.28del, p.Leu10fs (NM_001301035.2, NM_001308402.2, NM_001312656.2); short protein forms L85fs, L10fs.
Identifiers: ClinVar variation 3686735 (VCV003686735.2).